The following is an entry in ClinVar:

ClinVar aggregate classification (germline): Uncertain significance. Review status: criteria provided, multiple submitters, no conflicts (2 of 4 stars). 2 submissions from 2 submitters: Uncertain significance (2). Last evaluated 2025-10-15.

Conditions:
Vitamin B2 deficiency. Identifiers: MedGen C0035528.

Allele frequency attached by ClinVar (database versions not stated): gnomAD exomes below 0.00001; ExAC 0.00001; gnomAD 0.00005; TOPMed 0.00005.
gnomAD v4.1: 15 of 1,614,018 alleles (0.00093%); highest among the groups gnomAD compares: African/African-American, 0.015%; no homozygotes.

Submissions (2):

Ambry Genetics
Classification: Uncertain significance. Last evaluated: 2025-10-15. Review status: criteria provided, single submitter. Criteria: Ambry Variant Classification Scheme 2023. Collection method: clinical testing. Allele origin: germline.

Labcorp Genetics (formerly Invitae), Labcorp
Classification: Uncertain significance for Vitamin B2 deficiency. Last evaluated: 2023-02-04. Review status: criteria provided, single submitter. Criteria: Invitae Variant Classification Sherloc (09022015). Collection method: clinical testing. Allele origin: germline.
Comment: This variant is present in population databases (rs778552257, gnomAD 0.004%). This variant has not been reported in the literature in individuals affected with SLC52A1-related conditions. This sequence change replaces proline, which is neutral and non-polar, with leucine, which is neutral and non-polar, at codon 97 of the SLC52A1 protein (p.Pro97Leu). Advanced modeling of protein sequence and biophysical properties (such as structural, functional, and spatial information, amino acid conservation, physicochemical variation, residue mobility, and thermodynamic stability) performed at Invitae indicates that this missense variant is not expected to disrupt SLC52A1 protein function. In summary, the available evidence is currently insufficient to determine the role of this variant in disease. Therefore, it has been classified as a Variant of Uncertain Significance.

NM_017986.4(SLC52A1):c.290C>T (p.Pro97Leu)

Gene: SLC52A1 (solute carrier family 52 member 1; minus strand). Cytogenetic location: 17p13.2.
Variant type: single nucleotide variant.
Coding change: c.290C>T on transcript NM_017986.4 (MANE Select); coding-DNA position 290, C replaced by T.
Protein change: p.Pro97Leu; replaces proline 97 with leucine.
Molecular consequence: missense variant.
Genome position (GRCh38, 1-based): chr17:5,034,199, G>A on the plus strand (C>T on the coding strand, the complement: SLC52A1 is on the minus strand). VCF-style: chr17-5034199-G-A. GRCh37 (hg19) VCF-style: chr17-4937494-G-A.
Other names: c.290C>T, p.Pro97Leu (NM_001104577.2); c.290C>T (NM_001104577.1); short protein forms P97L.
Identifiers: ClinVar variation 2857075 (VCV002857075.4), dbSNP rs778552257, ClinGen allele CA8319821.